The following is an entry in ClinVar:

ClinVar aggregate classification (germline): Uncertain significance (1 of 4 stars; one submission).

Conditions:
Ehlers-Danlos syndrome, type 4 (EDSVASC). Also called: Ehlers-Danlos Syndrome Type IV; Ehlers-Danlos syndrome vascular type; Ehlers Danlos syndrome, ecchymotic type; Ehlers Danlos syndrome, arterial type; Ehlers Danlos syndrome, Sack-Barabas type. Identifiers: Orphanet 286, MedGen C0268338, MONDO:0017314, OMIM 130050.

Submission:

Labcorp Genetics (formerly Invitae), Labcorp
Classification: Uncertain significance for Ehlers-Danlos syndrome, type 4. Last evaluated: 2023-09-10. Review status: criteria provided, single submitter. Criteria: Invitae Variant Classification Sherloc (09022015). Collection method: clinical testing. Allele origin: germline.
Comment: This sequence change replaces serine, which is neutral and polar, with leucine, which is neutral and non-polar, at codon 1237 of the COL3A1 protein (p.Ser1237Leu). This variant is not present in population databases (gnomAD no frequency). In summary, the available evidence is currently insufficient to determine the role of this variant in disease. Therefore, it has been classified as a Variant of Uncertain Significance. Advanced modeling of protein sequence and biophysical properties (such as structural, functional, and spatial information, amino acid conservation, physicochemical variation, residue mobility, and thermodynamic stability) performed at Invitae indicates that this missense variant is not expected to disrupt COL3A1 protein function. This variant has not been reported in the literature in individuals affected with COL3A1-related conditions.

NM_000090.4(COL3A1):c.3710C>T (p.Ser1237Leu)

Gene: COL3A1 (collagen type III alpha 1 chain; plus strand). Cytogenetic location: 2q32.2.
Variant type: single nucleotide variant.
Coding change: c.3710C>T on transcript NM_000090.4 (MANE Select); coding-DNA position 3710, C replaced by T.
Protein change: p.Ser1237Leu; replaces serine 1237 with leucine.
Molecular consequence: missense variant.
Genome position (GRCh38, 1-based): chr2:189,009,108, C>T. VCF-style: chr2-189009108-C-T. GRCh37 (hg19) VCF-style: chr2-189873834-C-T.
Other names: short protein forms S1237L.
Identifiers: ClinVar variation 2759534 (VCV002759534.3), dbSNP rs985651774, ClinGen allele CA62562920.